The following is an entry in ClinVar:

NM_000059.4(BRCA2):c.293_297del (p.Glu97_Leu98insTer)

Gene: BRCA2 (BRCA2 DNA repair associated; plus strand). Cytogenetic location: 13q13.1.
Variant type: Deletion.
Coding change: c.293_297del on transcript NM_000059.4 (MANE Select); coding-DNA positions 293 to 297, 5 bases deleted (TAGAT; older notation c.293_297delTAGAT).
Protein change: p.Glu97_Leu98insTer.
Molecular consequence: nonsense. On other transcripts: frameshift variant (3).
Genome position (GRCh38, 1-based): chr13:32,319,302-32,319,306, TAGAT deleted; deleting any 5 consecutive bases within chr13:32,319,300-32,319,306 gives the same sequence; the c. name uses the placement nearest the transcript's 3' end. VCF-style (leftmost placement, unchanged base first): chr13-32319299-AATTAG-A. GRCh37 (hg19) VCF-style: chr13-32893436-AATTAG-A.
Other names: c.293_297delTAGAT, p.Leu98Terfs (NM_001406719.1, NM_001406720.1, NM_001406721.1); c.-77_-73delTAGAT (NM_001406722.1).
Identifiers: ClinVar variation 2126867 (VCV002126867.4), dbSNP rs2548511546, ClinGen allele CA2580087073.

ClinVar aggregate classification (germline): Pathogenic (1 of 4 stars; one submission).

Conditions:
Hereditary breast ovarian cancer syndrome. Also called: Hereditary breast and ovarian cancer syndrome; BRCA1- and BRCA2-Associated Hereditary Breast and Ovarian Cancer; Hereditary breast and ovarian cancer syndrome (HBOC); Hereditary breast and/or ovarian cancer syndrome; Hereditary breast and ovarian cancer; Breast and ovarian cancer. Identifiers: Orphanet 145, MedGen C0677776, MeSH D061325, MONDO:0003582. Disease mechanism: loss of function.

Submission:

Labcorp Genetics (formerly Invitae), Labcorp
Classification: Pathogenic for Hereditary breast ovarian cancer syndrome. Last evaluated: 2022-04-16. Review status: criteria provided, single submitter. Criteria: Invitae Variant Classification Sherloc (09022015). Collection method: clinical testing. Allele origin: germline.
Comment: This sequence change creates a premature translational stop signal (p.Leu98*) in the BRCA2 gene. It is expected to result in an absent or disrupted protein product. Loss-of-function variants in BRCA2 are known to be pathogenic (PMID: 20104584). This variant is not present in population databases (gnomAD no frequency). This variant has not been reported in the literature in individuals affected with BRCA2-related conditions. For these reasons, this variant has been classified as Pathogenic.

Literature cited by the submitters: PubMed 20104584.